The following is an entry in ClinVar:

ClinVar aggregate classification (germline): Uncertain significance (1 of 4 stars; one submission).

Submission:

Ambry Genetics
Classification: Uncertain significance. Last evaluated: 2026-07-07. Review status: criteria provided, single submitter. Criteria: Ambry Variant Classification Scheme 2023. Collection method: clinical testing. Allele origin: germline.
Comment: The p.V214F variant (also known as c.640G>T), located in coding exon 5 of the GEN1 gene, results from a G to T substitution at nucleotide position 640. The valine at codon 214 is replaced by phenylalanine, an amino acid with highly similar properties. This amino acid position is conserved. In addition, the in silico prediction for this alteration is inconclusive. Based on the available evidence, the clinical significance of this variant remains unclear.

NM_001130009.3(GEN1):c.640G>T (p.Val214Phe)

Gene: GEN1 (GEN1 structure-specific endonuclease; plus strand). Cytogenetic location: 2p24.2.
Variant type: single nucleotide variant.
Coding change: c.640G>T on transcript NM_001130009.3 (MANE Select); coding-DNA position 640, G replaced by T.
Protein change: p.Val214Phe; replaces valine 214 with phenylalanine.
Molecular consequence: missense variant.
Genome position (GRCh38, 1-based): chr2:17,768,741, G>T. VCF-style: chr2-17768741-G-T. GRCh37 (hg19) VCF-style: chr2-17950008-G-T.
Other names: c.640G>T, p.Val214Phe (NM_182625.5); short protein forms V214F.
Identifiers: ClinVar variation 5022297 (VCV005022297.1).